The following is an entry in ClinVar:

ClinVar aggregate classification (germline): Uncertain significance (1 of 4 stars; one submission).

Conditions:
Transcobalamin I deficiency (TCN1D). Also called: COBALAMIN PSEUDODEFICIENCY DUE TO TRANSCOBALAMIN DEFICIENCY; COBALAMIN R BINDER PROTEIN DEFICIENCY; TCN1 DEFICIENCY. Identifiers: Orphanet 2967, MedGen C0342700, MONDO:0008659, OMIM 193090.

gnomAD v4.1: 95 of 1,613,918 alleles (0.0059%); highest among the groups gnomAD compares: Non-Finnish European, 0.0077%; no homozygotes.

Submission:

Labcorp Genetics (formerly Invitae), Labcorp
Classification: Uncertain significance for Transcobalamin I deficiency. Last evaluated: 2025-06-07. Review status: criteria provided, single submitter. Criteria: Invitae Variant Classification Sherloc (09022015). Collection method: clinical testing. Allele origin: germline.
Comment: This sequence change replaces glycine, which is neutral and non-polar, with tryptophan, which is neutral and slightly polar, at codon 383 of the TCN1 protein (p.Gly383Trp). This variant is present in population databases (rs371013960, gnomAD 0.009%). This variant has not been reported in the literature in individuals affected with TCN1-related conditions. An algorithm developed to predict the effect of missense changes on protein structure and function (PolyPhen-2) suggests that this variant is likely to be disruptive. In summary, the available evidence is currently insufficient to determine the role of this variant in disease. Therefore, it has been classified as a Variant of Uncertain Significance.

NM_001062.4(TCN1):c.1147G>T (p.Gly383Trp)

Gene: TCN1 (transcobalamin 1; minus strand). Cytogenetic location: 11q12.1.
Variant type: single nucleotide variant.
Coding change: c.1147G>T on transcript NM_001062.4 (MANE Select); coding-DNA position 1147, G replaced by T.
Protein change: p.Gly383Trp; replaces glycine 383 with tryptophan.
Molecular consequence: missense variant.
Genome position (GRCh38, 1-based): chr11:59,853,296, C>A on the plus strand (G>T on the coding strand, the complement: TCN1 is on the minus strand). VCF-style: chr11-59853296-C-A. GRCh37 (hg19) VCF-style: chr11-59620769-C-A.
Other names: short protein forms G383W.
Identifiers: ClinVar variation 4803620 (VCV004803620.1).